The following is an entry in ClinVar:

ClinVar aggregate classification (germline): Uncertain significance (1 of 4 stars; one submission).

Allele frequency attached by ClinVar (database versions not stated): gnomAD exomes below 0.00001.
gnomAD v4.1: 2 of 1,199,364 alleles (0.00017%); highest among the groups gnomAD compares: Non-Finnish European, 0.00022%; no homozygotes.

Submission:

Labcorp Genetics (formerly Invitae), Labcorp
Classification: Uncertain significance. Last evaluated: 2022-08-21. Review status: criteria provided, single submitter. Criteria: Invitae Variant Classification Sherloc (09022015). Collection method: clinical testing. Allele origin: germline.
Comment: In summary, the available evidence is currently insufficient to determine the role of this variant in disease. Therefore, it has been classified as a Variant of Uncertain Significance. Algorithms developed to predict the effect of missense changes on protein structure and function are either unavailable or do not agree on the potential impact of this missense change (SIFT: "Deleterious"; PolyPhen-2: "Benign"; Align-GVGD: "Class C15"). This variant has not been reported in the literature in individuals affected with DRP2-related conditions. This variant is not present in population databases (gnomAD no frequency). This sequence change replaces threonine, which is neutral and polar, with isoleucine, which is neutral and non-polar, at codon 246 of the DRP2 protein (p.Thr246Ile).

NM_001939.3(DRP2):c.737C>T (p.Thr246Ile)

Gene: DRP2 (dystrophin related protein 2; plus strand). Cytogenetic location: Xq22.1.
Variant type: single nucleotide variant.
Coding change: c.737C>T on transcript NM_001939.3 (MANE Select); coding-DNA position 737, C replaced by T.
Protein change: p.Thr246Ile; replaces threonine 246 with isoleucine.
Molecular consequence: missense variant.
Genome position (GRCh38, 1-based): chrX:101,241,845, C>T. VCF-style: chrX-101241845-C-T. GRCh37 (hg19) VCF-style: chrX-100496834-C-T.
Other names: c.503C>T, p.Thr168Ile (NM_001171184.2); short protein forms T168I, T246I.
Identifiers: ClinVar variation 1717312 (VCV001717312.5), dbSNP rs776787561, ClinGen allele CA413917458.